The following is an entry in ClinVar:

NM_002472.3(MYH8):c.3137A>C (p.Lys1046Thr)

Genes: MYH8 (myosin heavy chain 8; minus strand), MYHAS (myosin heavy chain gene cluster antisense RNA; plus strand), LOC126862494 (BRD4-independent group 4 enhancer GRCh37_chr17:10303826-10305025; plus strand). Cytogenetic location: 17p13.1.
Variant type: single nucleotide variant.
Coding change: c.3137A>C on transcript NM_002472.3 (MANE Select); coding-DNA position 3137, A replaced by C.
Protein change: p.Lys1046Thr; replaces lysine 1046 with threonine.
Molecular consequence: missense variant.
Genome position (GRCh38, 1-based): chr17:10,401,163, T>G on the plus strand (A>C on the coding strand, the complement: MYH8 is on the minus strand). VCF-style: chr17-10401163-T-G. GRCh37 (hg19) VCF-style: chr17-10304480-T-G.
Other names: short protein forms K1046T.
Identifiers: ClinVar variation 2691543 (VCV002691543.1), dbSNP rs1036720263, ClinGen allele CA287724593.

ClinVar aggregate classification (germline): Uncertain significance (1 of 4 stars; one submission).

Allele frequency attached by ClinVar (database versions not stated): gnomAD exomes below 0.00001; TOPMed 0.00001.
gnomAD v4.1: 4 of 1,613,782 alleles (0.00025%); highest among the groups gnomAD compares: Non-Finnish European, 0.00034%; no homozygotes.

Submission:

Women's Health and Genetics/Laboratory Corporation of America, LabCorp
Classification: Uncertain significance. Last evaluated: 2023-12-08. Review status: criteria provided, single submitter. Criteria: LabCorp Variant Classification Summary - May 2015. Collection method: clinical testing. Allele origin: germline.
Comment: Variant summary: MYH8 c.3137A>C (p.Lys1046Thr) results in a non-conservative amino acid change located in the Myosin tail (IPR002928) of the encoded protein sequence. Five of five in-silico tools predict a damaging effect of the variant on protein function. The variant allele was found at a frequency of 8e-06 in 251292 control chromosomes. The available data on variant occurrences in the general population are insufficient to allow any conclusion about variant significance. To our knowledge, no occurrence of c.3137A>C in individuals affected with Arthrogryposis Distal Type 7 and no experimental evidence demonstrating its impact on protein function have been reported. No submitters have cited clinical-significance assessments for this variant to ClinVar after 2014. Based on the evidence outlined above, the variant was classified as uncertain significance.